The following is an entry in ClinVar:

NM_017780.4(CHD7):c.5532C>T (p.Asp1844=)

Gene: CHD7 (chromodomain helicase DNA binding protein 7; plus strand). Cytogenetic location: 8q12.2.
Variant type: single nucleotide variant.
Coding change: c.5532C>T on transcript NM_017780.4 (MANE Select); coding-DNA position 5532, C replaced by T.
Protein change: p.Asp1844=; no amino-acid change (aspartic acid 1844 retained).
Molecular consequence: synonymous variant. On other transcripts: intron variant (1).
Genome position (GRCh38, 1-based): chr8:60,850,620, C>T. VCF-style: chr8-60850620-C-T. GRCh37 (hg19) VCF-style: chr8-61763179-C-T.
Other names: c.1717-11609C>T (NM_001316690.1).
Identifiers: ClinVar variation 717995 (VCV000717995.10), dbSNP rs368279646, ClinGen allele CA4760386.

ClinVar aggregate classification (germline): Likely benign. Review status: criteria provided, multiple submitters, no conflicts (2 of 4 stars). 3 submissions from 3 submitters: Likely benign (3). Last evaluated 2026-08-01.

Conditions:
CHARGE syndrome (CHARGE). Also called: Hittner Hirsch Kreh syndrome; CHARGE ASSOCIATION--COLOBOMA, HEART ANOMALY, CHOANAL ATRESIA, RETARDATION, GENITAL AND EAR ANOMALIES; Coloboma, heart anomaly, choanal atresia, retardation, genital and ear anomalies; CHARGE association; Hall-Hittner syndrome. Identifiers: Orphanet 138, MedGen C0265354, MONDO:0008965.

Allele frequency attached by ClinVar (database versions not stated): gnomAD 0.00001; ExAC 0.00002; gnomAD exomes 0.00002; TOPMed 0.00002; ESP Exome Variant Server 0.00008.
gnomAD v4.1: 32 of 1,610,038 alleles (0.002%); highest among the groups gnomAD compares: East Asian, 0.0067%; no homozygotes.

Submissions (3):

CeGaT Center for Human Genetics Tuebingen
Classification: Likely benign. Last evaluated: 2026-08-01. Review status: criteria provided, single submitter. Criteria: CeGaT Center For Human Genetics Tuebingen Variant Classification Criteria Version 2. Collection method: clinical testing. Allele origin: germline. Affected: yes. Observed: 1 variant allele.
Comment: CHD7: BP4, BP7

Blueprint Genetics
Classification: Likely benign. Last evaluated: 2024-10-02. Review status: criteria provided, single submitter. Criteria: ACMG Guidelines, 2015. Collection method: clinical testing. Allele origin: germline.

Labcorp Genetics (formerly Invitae), Labcorp
Classification: Likely benign for CHARGE syndrome. Last evaluated: 2024-09-15. Review status: criteria provided, single submitter. Criteria: Invitae Variant Classification Sherloc (09022015). Collection method: clinical testing. Allele origin: germline.